The following is an entry in ClinVar:

ClinVar aggregate classification (germline): Conflicting classifications of pathogenicity. Review status: criteria provided, conflicting classifications (1 of 4 stars). 2 submissions from 2 submitters: Uncertain significance (1); Likely benign (1). Last evaluated 2025-08-12.

Conditions:
Inborn genetic diseases. Identifiers: MedGen C0950123, MeSH D030342.

Submissions (2):

Ambry Genetics
Classification: Likely benign for Inborn genetic diseases. Last evaluated: 2025-08-12. Review status: criteria provided, single submitter. Criteria: Ambry Variant Classification Scheme 2023. Collection method: clinical testing. Allele origin: germline.

GeneDx
Classification: Uncertain significance. Last evaluated: 2022-10-04. Review status: criteria provided, single submitter. Criteria: GeneDx Variant Classification Process June 2021. Collection method: clinical testing. Allele origin: germline. Affected: yes.
Comment: Not observed at significant frequency in large population cohorts (gnomAD); In silico analysis supports that this missense variant does not alter protein structure/function; Has not been previously published as pathogenic or benign to our knowledge

NM_014994.3(MAPKBP1):c.2762A>G (p.Tyr921Cys)

Gene: MAPKBP1 (mitogen-activated protein kinase binding protein 1; plus strand). Cytogenetic location: 15q15.1.
Variant type: single nucleotide variant.
Coding change: c.2762A>G on transcript NM_014994.3 (MANE Select); coding-DNA position 2762, A replaced by G.
Protein change: p.Tyr921Cys; replaces tyrosine 921 with cysteine.
Molecular consequence: missense variant. On other transcripts: non-coding transcript variant (2).
Genome position (GRCh38, 1-based): chr15:41,821,627, A>G. VCF-style: chr15-41821627-A-G. GRCh37 (hg19) VCF-style: chr15-42113825-A-G.
Other names: c.2780A>G, p.Tyr927Cys (NM_001128608.2); c.2762A>G, p.Tyr921Cys (NM_001265611.2); short protein forms Y921C, Y927C.
Identifiers: ClinVar variation 2498002 (VCV002498002.2), dbSNP rs2152083811, ClinGen allele CA391872280.